The following is an entry in ClinVar:

NM_005045.4(RELN):c.10055_10056delinsTT (p.Pro3352Leu)

Genes: RELN (reelin; minus strand), SLC26A5-AS1 (SLC26A5 antisense RNA 1; plus strand). Cytogenetic location: 7q22.1.
Variant type: Indel.
Coding change: c.10055_10056delinsTT on transcript NM_005045.4 (MANE Select); coding-DNA positions 10055 to 10056, CC replaced by TT.
Protein change: p.Pro3352Leu; replaces proline 3352 with leucine.
Molecular consequence: missense variant.
Genome position (GRCh38, 1-based): chr7:103,483,778-103,483,779, GG replaced by AA on the plus strand (CC replaced by TT on the coding strand, the reverse complement: RELN is on the minus strand). VCF-style: chr7-103483778-GG-AA. GRCh37 (hg19) VCF-style: chr7-103124225-GG-AA.
Other names: c.10055_10056delinsTT, p.Pro3352Leu (NM_173054.3); short protein forms P3352L.
Identifiers: ClinVar variation 504057 (VCV000504057.1), dbSNP rs1554360654, ClinGen allele CA658796985.

ClinVar aggregate classification (germline): Uncertain significance (1 of 4 stars; one submission).

Submission:

GeneDx
Classification: Uncertain significance. Last evaluated: 2018-01-15. Review status: criteria provided, single submitter. Criteria: GeneDx Variant Classification (06012015). Collection method: clinical testing. Allele origin: germline. Affected: yes.
Comment: The c.10055_10056delCCinsTT variant has not been published as a pathogenic variant, nor has it been reported as a benign variant to our knowledge. The c.10055_10056delCCinsTT variant is not observed in large population cohorts (Lek et al., 2016). The c.10055_10056delCCinsTT variant is caused by two nucleotide substitutions (c.10055 C>T and c.10056 C>T) on the same allele (in cis), resulting in an in-frame deletion of a single Proline residue and the insertion of a single Leucine residue at amino acid position 3352, denoted P3352L. The P3352L variant is a semi-conservative amino acid substitution, which may impact secondary protein structure as these residues differ in some properties. In-silico analyses, including protein predictors and evolutionary conservation, support a deleterious effect. Based on the currently available information, it is unclear whether this variant is a pathogenic variant or a rare benign variant.